The following is an entry in ClinVar:

NM_000260.4(MYO7A):c.5333T>C (p.Leu1778Pro)

Gene: MYO7A (myosin VIIA; plus strand). Cytogenetic location: 11q13.5.
Variant type: single nucleotide variant.
Coding change: c.5333T>C on transcript NM_000260.4 (MANE Select); coding-DNA position 5333, T replaced by C.
Protein change: p.Leu1778Pro; replaces leucine 1778 with proline.
Molecular consequence: missense variant.
Genome position (GRCh38, 1-based): chr11:77,204,082, T>C. VCF-style: chr11-77204082-T-C. GRCh37 (hg19) VCF-style: chr11-76915127-T-C.
Other names: c.5219T>C, p.Leu1740Pro (NM_001127180.2); c.5186T>C, p.Leu1729Pro (NM_001369365.1); short protein forms L1778P, L1729P, L1740P.
Identifiers: ClinVar variation 2805742 (VCV002805742.3), dbSNP rs1957266190, ClinGen allele CA381952505.

ClinVar aggregate classification (germline): Likely pathogenic (1 of 4 stars; one submission).

Allele frequency attached by ClinVar (database versions not stated): gnomAD exomes below 0.00001; TOPMed below 0.00001.
gnomAD v4.1: 2 of 1,600,406 alleles (0.00012%); highest among the groups gnomAD compares: Non-Finnish European, 0.00017%; no homozygotes.

Submission:

Labcorp Genetics (formerly Invitae), Labcorp
Classification: Likely pathogenic. Last evaluated: 2023-07-08. Review status: criteria provided, single submitter. Criteria: Invitae Variant Classification Sherloc (09022015). Collection method: clinical testing. Allele origin: germline.
Comment: In summary, the currently available evidence indicates that the variant is pathogenic, but additional data are needed to prove that conclusively. Therefore, this variant has been classified as Likely Pathogenic. Advanced modeling of protein sequence and biophysical properties (such as structural, functional, and spatial information, amino acid conservation, physicochemical variation, residue mobility, and thermodynamic stability) performed at Invitae indicates that this missense variant is expected to disrupt MYO7A protein function. This missense change has been observed in individual(s) with clinical features of MYO7A-related conditions (Invitae). This variant is not present in population databases (gnomAD no frequency). This sequence change replaces leucine, which is neutral and non-polar, with proline, which is neutral and non-polar, at codon 1778 of the MYO7A protein (p.Leu1778Pro).